The following is an entry in ClinVar:

NM_000368.5(TSC1):c.2364A>G (p.Glu788=)

Gene: TSC1 (TSC complex subunit 1; minus strand). Cytogenetic location: 9q34.13.
Variant type: single nucleotide variant.
Coding change: c.2364A>G on transcript NM_000368.5 (MANE Select); coding-DNA position 2364, A replaced by G.
Protein change: p.Glu788=; no amino-acid change (glutamic acid 788 retained).
Molecular consequence: synonymous variant.
Genome position (GRCh38, 1-based): chr9:132,902,632, T>C on the plus strand (A>G on the coding strand, the complement: TSC1 is on the minus strand). VCF-style: chr9-132902632-T-C. GRCh37 (hg19) VCF-style: chr9-135778019-T-C.
Other names: c.2361A>G, p.Glu787= (NM_001162426.2); c.2211A>G, p.Glu737= (NM_001162427.2); c.2001A>G, p.Glu667= (NM_001362177.2).
Identifiers: ClinVar variation 755699 (VCV000755699.11), dbSNP rs1588301218, ClinGen allele CA467590512.
Genomic context (GRCh38, chr9:132,902,632, plus strand): 5'-GCAGTTGGCTTTGCCTGGTGCTGCAGTTTATACCTGTAATTCCTGGCTCTGGTTGTAGAA[T>C]TCCTCTCGGTCATGCTGCAGCTGTCTGATCTGGCTGTGGAGCTTGGTTACCATAGTGTCA-3'
Protein context (NP_000359.1, residues 778-798): QIRQLQHDRE[Glu788=]FYNQSQELQT

ClinVar aggregate classification (germline): Likely benign. Review status: criteria provided, single submitter (1 of 4 stars). 2 submissions from 2 submitters: Likely benign (1). 1 of the submissions does not count toward it. Last evaluated 2018-06-13.

Conditions:
TSC1-related disorder. Also called: TSC1-related condition.
Tuberous sclerosis 1 (TSC1). Identifiers: Orphanet 805, MedGen C1854465, MONDO:0008612, OMIM 191100.

Submissions (2):

Labcorp Genetics (formerly Invitae), Labcorp
Classification: Likely benign for Tuberous sclerosis 1. Last evaluated: 2018-06-13. Review status: criteria provided, single submitter. Criteria: Invitae Variant Classification Sherloc (09022015). Collection method: clinical testing. Allele origin: germline.

PreventionGenetics, part of Exact Sciences
Classification: Likely benign for TSC1-related condition. Last evaluated: 2023-12-14. Review status: no assertion criteria provided. Collection method: clinical testing. Allele origin: germline. Not counted in ClinVar's aggregate classification.
Comment: This variant is classified as likely benign based on ACMG/AMP sequence variant interpretation guidelines (Richards et al. 2015 PMID: 25741868, with internal and published modifications).